The following is an entry in ClinVar:

NM_033026.6(PCLO):c.1969C>T (p.Pro657Ser)

Gene: PCLO (piccolo presynaptic cytomatrix protein; minus strand). Cytogenetic location: 7q21.11.
Variant type: single nucleotide variant.
Coding change: c.1969C>T on transcript NM_033026.6 (MANE Select); coding-DNA position 1969, C replaced by T.
Protein change: p.Pro657Ser; replaces proline 657 with serine.
Molecular consequence: missense variant.
Genome position (GRCh38, 1-based): chr7:83,135,581, G>A on the plus strand (C>T on the coding strand, the complement: PCLO is on the minus strand). VCF-style: chr7-83135581-G-A. GRCh37 (hg19) VCF-style: chr7-82764897-G-A.
Other names: c.1969C>T, p.Pro657Ser (NM_014510.3); short protein forms P657S.
Identifiers: ClinVar variation 1361875 (VCV001361875.8), dbSNP rs768606625, ClinGen allele CA367905591.
Genomic context (GRCh38, chr7:83,135,581, plus strand): 5'-GGGATGATTTGCTCACTGCTGATGTAGTGGTAACAGGTGCAGTCTTCAGTTTGGGCTGGG[G>A]TGATGACGGAACTGGAGCCAGATCCCCGCCTAGAGCTCTTTTCATTTGACAGTTCAAACA-3'
Protein context (NP_149015.2, residues 647-667): GGDLAPVPSS[Pro657Ser]QPKLKTAPVT

ClinVar aggregate classification (germline): Uncertain significance (1 of 4 stars; one submission).

gnomAD v4.1: 3 of 1,613,286 alleles (0.00019%); highest among the groups gnomAD compares: African/African-American, 0.0027%; no homozygotes.

Submission:

Labcorp Genetics (formerly Invitae), Labcorp
Classification: Uncertain significance. Last evaluated: 2024-10-31. Review status: criteria provided, single submitter. Criteria: Invitae Variant Classification Sherloc (09022015). Collection method: clinical testing. Allele origin: germline.
Comment: This sequence change replaces proline, which is neutral and non-polar, with serine, which is neutral and polar, at codon 657 of the PCLO protein (p.Pro657Ser). This variant is not present in population databases (gnomAD no frequency). This variant has not been reported in the literature in individuals affected with PCLO-related conditions. ClinVar contains an entry for this variant (Variation ID: 1361875). Experimental studies and prediction algorithms are not available or were not evaluated, and the functional significance of this variant is currently unknown. In summary, the available evidence is currently insufficient to determine the role of this variant in disease. Therefore, it has been classified as a Variant of Uncertain Significance.